The following is an entry in ClinVar:

ClinVar aggregate classification (germline): Uncertain significance. Review status: criteria provided, multiple submitters, no conflicts (2 of 4 stars). 2 submissions from 2 submitters: Uncertain significance (2). Last evaluated 2025-08-03.

Conditions:
Situs inversus. Also called: Situs inversus totalis. Identifiers: Orphanet 101063, MedGen C4551493, MONDO:0010029, HP:0001696.

Allele frequency attached by ClinVar (database versions not stated): gnomAD exomes 0.00001; gnomAD 0.00006 and 0.00007; TOPMed 0.00010; 1000 Genomes Project 30x 0.00031; 1000 Genomes Project 0.00040.
gnomAD v4.1: 18 of 1,613,686 alleles (0.0011%); highest among the groups gnomAD compares: Admixed American, 0.023%; no homozygotes.

Submissions (2):

Ambry Genetics
Classification: Uncertain significance. Last evaluated: 2025-08-03. Review status: criteria provided, single submitter. Criteria: Ambry Variant Classification Scheme 2023. Collection method: clinical testing. Allele origin: germline.

Labcorp Genetics (formerly Invitae), Labcorp
Classification: Uncertain significance for Situs inversus. Last evaluated: 2022-07-19. Review status: criteria provided, single submitter. Criteria: Invitae Variant Classification Sherloc (09022015). Collection method: clinical testing. Allele origin: germline.
Comment: This variant has not been reported in the literature in individuals affected with CFAP52-related conditions. The frequency data for this variant in the population databases is considered unreliable, as metrics indicate poor data quality at this position in the gnomAD database. This sequence change replaces glycine, which is neutral and non-polar, with alanine, which is neutral and non-polar, at codon 534 of the CFAP52 protein (p.Gly534Ala). Algorithms developed to predict the effect of missense changes on protein structure and function (SIFT, PolyPhen-2, Align-GVGD) all suggest that this variant is likely to be disruptive. In summary, the available evidence is currently insufficient to determine the role of this variant in disease. Therefore, it has been classified as a Variant of Uncertain Significance. ClinVar contains an entry for this variant (Variation ID: 1054061).

NM_145054.5(CFAP52):c.1601G>C (p.Gly534Ala)

Gene: CFAP52 (cilia and flagella associated protein 52; plus strand). Cytogenetic location: 17p13.1.
Variant type: single nucleotide variant.
Coding change: c.1601G>C on transcript NM_145054.5 (MANE Select); coding-DNA position 1601, G replaced by C.
Protein change: p.Gly534Ala; replaces glycine 534 with alanine.
Molecular consequence: missense variant.
Genome position (GRCh38, 1-based): chr17:9,641,749, G>C. VCF-style: chr17-9641749-G-C. GRCh37 (hg19) VCF-style: chr17-9545066-G-C.
Other names: c.1397G>C, p.Gly466Ala (NM_001080556.2); c.1601G>C (NM_145054.4); short protein forms G466A, G534A.
Identifiers: ClinVar variation 1054061 (VCV001054061.10), dbSNP rs182215122, ClinGen allele CA287673163.